The following is an entry in ClinVar:

ClinVar aggregate classification (germline): Pathogenic (1 of 4 stars; one submission).

Conditions:
Hereditary spastic paraplegia 15 (SPG15). Also called: SPASTIC PARAPLEGIA 15, AUTOSOMAL RECESSIVE; KJELLIN SYNDROME; SPASTIC PARAPLEGIA AND RETINAL DEGENERATION. Identifiers: Orphanet 100996, MedGen C1849128, MONDO:0010044, OMIM 270700.

Submission:

Myriad Genetics, Inc.
Classification: Pathogenic for Hereditary spastic paraplegia 15. Last evaluated: 2025-05-25. Review status: criteria provided, single submitter. Criteria: Myriad Autosomal Dominant, Autosomal Recessive and X-Linked Classification Criteria (2023). Collection method: clinical testing. Allele origin: unknown.
Comment: NM_015346.3(ZFYVE26):c.4156_4157delAG(L1387Gfs*28) is expected to be pathogenic in the context of spastic paraplegia type 15. This variant is predicted to lead to an abnormal or absent protein product due to the creation of a premature termination codon in ZFYVE26, a gene where loss-of-function variants are known to be pathogenic. Please note: this variant was assessed in the context of healthy population screening.

NM_015346.4(ZFYVE26):c.4156_4157del (p.Leu1387fs)

Gene: ZFYVE26 (zinc finger FYVE-type containing 26; minus strand). Cytogenetic location: 14q24.1.
Variant type: Microsatellite.
Coding change: c.4156_4157del on transcript NM_015346.4 (MANE Select); coding-DNA positions 4156 to 4157, 2 bases deleted (AG; older notation c.4156_4157delAG).
Protein change: p.Leu1387fs; shifts the reading frame from leucine 1387.
Molecular consequence: frameshift variant.
Genome position (GRCh38, 1-based): chr14:67,782,995-67,782,996, CT deleted on the plus strand (AG on the coding strand, the reverse complement: ZFYVE26 is on the minus strand); deleting any 2 consecutive bases within chr14:67,782,995-67,782,998 gives the same sequence; the c. name uses the placement nearest the transcript's 3' end. VCF-style (leftmost placement, unchanged base first): chr14-67782994-ACT-A. GRCh37 (hg19) VCF-style: chr14-68249711-ACT-A.
Other names: short protein forms L1387fs.
Identifiers: ClinVar variation 5014517 (VCV005014517.1).